The following is an entry in ClinVar:

NM_015662.3(IFT172):c.325T>C (p.Phe109Leu)

Gene: IFT172 (intraflagellar transport 172; minus strand). Cytogenetic location: 2p23.3.
Variant type: single nucleotide variant.
Coding change: c.325T>C on transcript NM_015662.3 (MANE Select); coding-DNA position 325, T replaced by C.
Protein change: p.Phe109Leu; replaces phenylalanine 109 with leucine.
Molecular consequence: missense variant.
Genome position (GRCh38, 1-based): chr2:27,484,238, A>G on the plus strand (T>C on the coding strand, the complement: IFT172 is on the minus strand). VCF-style: chr2-27484238-A-G. GRCh37 (hg19) VCF-style: chr2-27707105-A-G.
Other names: short protein forms F109L.
Identifiers: ClinVar variation 1358267 (VCV001358267.9), dbSNP rs542128061, ClinGen allele CA1581041.

ClinVar aggregate classification (germline): Uncertain significance. Review status: criteria provided, multiple submitters, no conflicts (2 of 4 stars). 2 submissions from 2 submitters: Uncertain significance (2). Last evaluated 2024-02-03.

Conditions:
Bardet-Biedl syndrome 20. Identifiers: MedGen C4310707, MONDO:0023670, OMIM 619471, MONDO:0014926.
Short-rib thoracic dysplasia 10 with or without polydactyly (SRTD10). Identifiers: Orphanet 474, MedGen C3810175, MONDO:0014284, OMIM 615630.
Retinitis pigmentosa 71 (RP71). Identifiers: Orphanet 791, MedGen C4225342, MONDO:0014618, OMIM 616394.

Allele frequency attached by ClinVar (database versions not stated): gnomAD exomes below 0.00001; TOPMed below 0.00001; ExAC 0.00001; gnomAD 0.00001; 1000 Genomes Project 30x 0.00016; 1000 Genomes Project 0.00020.
gnomAD v4.1: 1 of 1,614,016 alleles (0.000062%); highest among the groups gnomAD compares: African/African-American, 0.0013%; no homozygotes.

Submissions (2):

Fulgent Genetics
Classification: Uncertain significance for Short-rib thoracic dysplasia 10 with or without polydactyly; Retinitis pigmentosa 71; Bardet-Biedl syndrome 20. Last evaluated: 2024-02-03. Review status: criteria provided, single submitter. Criteria: ACMG Guidelines, 2015. Collection method: clinical testing. Allele origin: germline.

Labcorp Genetics (formerly Invitae), Labcorp
Classification: Uncertain significance for Retinitis pigmentosa 71; Short-rib thoracic dysplasia 10 with or without polydactyly. Last evaluated: 2022-07-06. Review status: criteria provided, single submitter. Criteria: Invitae Variant Classification Sherloc (09022015). Collection method: clinical testing. Allele origin: germline.
Comment: In summary, the available evidence is currently insufficient to determine the role of this variant in disease. Therefore, it has been classified as a Variant of Uncertain Significance. Algorithms developed to predict the effect of missense changes on protein structure and function are either unavailable or do not agree on the potential impact of this missense change (SIFT: "Deleterious"; PolyPhen-2: "Probably Damaging"; Align-GVGD: "Class C0"). ClinVar contains an entry for this variant (Variation ID: 1358267). This variant has not been reported in the literature in individuals affected with IFT172-related conditions. This variant is present in population databases (rs542128061, gnomAD 0.007%). This sequence change replaces phenylalanine, which is neutral and non-polar, with leucine, which is neutral and non-polar, at codon 109 of the IFT172 protein (p.Phe109Leu).